The following is an entry in ClinVar:

ClinVar aggregate classification (germline): Uncertain significance (1 of 4 stars; one submission).

Submission:

CeGaT Center for Human Genetics Tuebingen
Classification: Uncertain significance. Last evaluated: 2025-08-01. Review status: criteria provided, single submitter. Criteria: CeGaT Center For Human Genetics Tuebingen Variant Classification Criteria Version 2. Collection method: clinical testing. Allele origin: germline. Affected: yes. Observed: 1 variant allele.
Comment: TTN: PM2, BP4

NM_001267550.2(TTN):c.13624A>G (p.Ser4542Gly)

Gene: TTN (titin; minus strand). Cytogenetic location: 2q31.2.
Variant type: single nucleotide variant.
Coding change: c.13624A>G on transcript NM_001267550.2 (MANE Select); coding-DNA position 13624, A replaced by G.
Protein change: p.Ser4542Gly; replaces serine 4542 with glycine.
Molecular consequence: missense variant. On other transcripts: intron variant (1).
Genome position (GRCh38, 1-based): chr2:178,739,609, T>C on the plus strand (A>G on the coding strand, the complement: TTN is on the minus strand). VCF-style: chr2-178739609-T-C. GRCh37 (hg19) VCF-style: chr2-179604336-T-C.
Other names: c.12673A>G, p.Ser4225Gly (NM_001256850.1); c.12535A>G, p.Ser4179Gly (NM_003319.4); c.12910A>G, p.Ser4304Gly (NM_133432.3); c.13111A>G, p.Ser4371Gly (NM_133437.4); c.10361-1249A>G (NM_133378.4); short protein forms S4179G, S4225G, S4304G, S4371G, S4542G.
Identifiers: ClinVar variation 4085878 (VCV004085878.8).